The following is an entry in ClinVar:

ClinVar aggregate classification (germline): Uncertain significance (1 of 4 stars; one submission).

gnomAD v4.1: 2 of 1,613,976 alleles (0.00012%); highest among the groups gnomAD compares: Non-Finnish European, 0.00017%; no homozygotes.

Submission:

CeGaT Center for Human Genetics Tuebingen
Classification: Uncertain significance. Last evaluated: 2024-06-01. Review status: criteria provided, single submitter. Criteria: CeGaT Center For Human Genetics Tuebingen Variant Classification Criteria Version 2. Collection method: clinical testing. Allele origin: germline. Affected: yes. Observed: 1 variant allele.
Comment: TRIP12: PM2, BP4

NM_001348323.3(TRIP12):c.3857G>C (p.Gly1286Ala)

Gene: TRIP12 (thyroid hormone receptor interactor 12; minus strand). Cytogenetic location: 2q36.3.
Variant type: single nucleotide variant.
Coding change: c.3857G>C on transcript NM_001348323.3 (MANE Select); coding-DNA position 3857, G replaced by C.
Protein change: p.Gly1286Ala; replaces glycine 1286 with alanine.
Molecular consequence: missense variant.
Genome position (GRCh38, 1-based): chr2:229,795,290, C>G on the plus strand (G>C on the coding strand, the complement: TRIP12 is on the minus strand). VCF-style: chr2-229795290-C-G. GRCh37 (hg19) VCF-style: chr2-230660006-C-G.
Other names: c.3776G>C, p.Gly1259Ala (NM_001284214.2, NM_001348315.2); c.3731G>C, p.Gly1244Ala (NM_001284215.2, NM_001348316.2, NM_001348317.1 and 1 more transcripts); c.2822G>C, p.Gly941Ala (NM_001284216.2); c.3857G>C, p.Gly1286Ala (NM_001348319.1, NM_001348320.2, NM_001348322.1 and 4 more transcripts); c.3860G>C, p.Gly1287Ala (NM_001348321.1, NM_001348328.1, NM_001348329.2 and 1 more transcripts); c.3650G>C, p.Gly1217Ala (NM_001348331.1); c.3770G>C, p.Gly1257Ala (NM_001348332.1); c.3779G>C, p.Gly1260Ala (NM_001348333.1); and 1 more; short protein forms G1211A, G1217A, G1244A, G1257A, G1259A, G1260A, G1286A, G1287A.
Identifiers: ClinVar variation 3250911 (VCV003250911.18), dbSNP rs776700291.
Genomic context (GRCh38, chr2:229,795,290, plus strand): 5'-TGTTCCATCTGGCTGAGGCAGTTGTTCATCTTGTGAACTAATGCCAACAAAGGTGCATTA[C>G]CCACTGGTTCCACTCTTCCAATGGGCTCTTCTCCAGGAAGCTAAAGTTATAAATAAACAA-3'
Protein context (NP_001335252.1, residues 1276-1296): EEPIGRVEPV[Gly1286Ala]NAPLLALVHK